The following is an entry in ClinVar:

NM_000503.6(EYA1):c.1598-32_1598-8del

Gene: EYA1 (EYA transcriptional coactivator and phosphatase 1; minus strand). Cytogenetic location: 8q13.3.
Variant type: Deletion.
Coding change: c.1598-32_1598-8del on transcript NM_000503.6 (MANE Select); 32 bases into the intron before coding-DNA position 1598 through 8 bases into the intron before coding-DNA position 1598, 25 bases deleted (CACATTTTCTATCATTTATTTTTGT).
Molecular consequence: intron variant.
Genome position (GRCh38, 1-based): chr8:71,211,264-71,211,288, ACAAAAATAAATGATAGAAAATGTG deleted on the plus strand (CACATTTTCTATCATTTATTTTTGT on the coding strand, the reverse complement: EYA1 is on the minus strand); deleting any 25 consecutive bases within chr8:71,211,264-71,211,289 gives the same sequence; the c. name uses the placement nearest the transcript's 3' end. VCF-style (leftmost placement, unchanged base first): chr8-71211263-AACAAAAATAAATGATAGAAAATGTG-A. GRCh37 (hg19) VCF-style: chr8-72123498-AACAAAAATAAATGATAGAAAATGTG-A.
Other names: c.1577-32_1577-8del (NM_001370336.1); c.1685-32_1685-8del (NM_001370333.1); c.1598-32_1598-8del (NM_001370335.1, NM_001370334.1, NM_172058.4); c.1580-32_1580-8del (NM_172059.5, NM_001288574.2); c.1232-32_1232-8del (NM_001288575.2).
Identifiers: ClinVar variation 1800609 (VCV001800609.1), dbSNP rs2537209368, ClinGen allele CA2580078919.

ClinVar aggregate classification (germline): Uncertain significance (1 of 4 stars; one submission).

Submission:

GeneDx
Classification: Uncertain significance. Last evaluated: 2022-05-20. Review status: criteria provided, single submitter. Criteria: GeneDx Variant Classification Process June 2021. Collection method: clinical testing. Allele origin: germline. Affected: yes.
Comment: Not observed at significant frequency in large population cohorts (gnomAD); In silico analysis supports a deleterious effect on splicing; Has not been previously published as pathogenic or benign to our knowledge